The following is an entry in ClinVar:

ClinVar aggregate classification (germline): Uncertain significance. Review status: criteria provided, multiple submitters, no conflicts (2 of 4 stars). 4 submissions from 4 submitters: Uncertain significance (4). Last evaluated 2026-01-17.

Conditions:
ALG9 congenital disorder of glycosylation (CDG1L). Also called: CDG Il; CONGENITAL DISORDER OF GLYCOSYLATION, TYPE Il; ALG9-CDG. Identifiers: Orphanet 79328, MedGen C2931006, MONDO:0012117, OMIM 608776.
Wrinkly skin syndrome (WSS). Also called: Type of Gerodermia osteodysplastica. Identifiers: Orphanet 2834, MedGen C0406587, MONDO:0010208, OMIM 278250.
Cutis laxa with osteodystrophy (ARCL2A). Also called: Debré-Type Cutis Laxa; CUTIS LAXA WITH CONGENITAL DISORDER OF GLYCOSYLATION; CUTIS LAXA, AUTOSOMAL RECESSIVE, TYPE IIA; CUTIS LAXA WITH BONE DYSTROPHY; CUTIS LAXA WITH GROWTH AND DEVELOPMENTAL DELAY; CUTIS LAXA WITH JOINT LAXITY AND RETARDED DEVELOPMENT. Identifiers: Orphanet 357058, MedGen C0268355, MONDO:0018163, OMIM 219200. Disease mechanism: loss of function.

Allele frequency attached by ClinVar (database versions not stated): gnomAD 0.00002 and 0.00008; TOPMed 0.00003; gnomAD exomes 0.00018 and 0.00022; ExAC 0.00021; 1000 Genomes Project 0.00060; 1000 Genomes Project 30x 0.00094.
gnomAD v4.1: 324 of 1,614,140 alleles (0.02%); highest among the groups gnomAD compares: East Asian, 0.62%; 3 homozygotes.

Submissions (4):

Labcorp Genetics (formerly Invitae), Labcorp
Classification: Uncertain significance for ALG9 congenital disorder of glycosylation. Last evaluated: 2026-01-17. Review status: criteria provided, single submitter. Criteria: Invitae Variant Classification Sherloc (09022015). Collection method: clinical testing. Allele origin: germline.
Comment: This sequence change replaces isoleucine, which is neutral and non-polar, with threonine, which is neutral and polar, at codon 691 of the ATP6V0A2 protein (p.Ile691Thr). This variant is present in population databases (rs144946016, gnomAD 0.2%). This variant has not been reported in the literature in individuals affected with ATP6V0A2-related conditions. ClinVar contains an entry for this variant (Variation ID: 307595). Invitae Evidence Modeling of protein sequence and biophysical properties (such as structural, functional, and spatial information, amino acid conservation, physicochemical variation, residue mobility, and thermodynamic stability) indicates that this missense variant is not expected to disrupt ATP6V0A2 protein function with a negative predictive value of 80%. In summary, the available evidence is currently insufficient to determine the role of this variant in disease. Therefore, it has been classified as a Variant of Uncertain Significance.

GeneDx
Classification: Uncertain significance. Last evaluated: 2024-05-28. Review status: criteria provided, single submitter. Criteria: GeneDx Variant Classification Process June 2021. Collection method: clinical testing. Allele origin: germline. Affected: yes.
Comment: Has not been previously published as pathogenic or benign to our knowledge; In silico analysis indicates that this missense variant does not alter protein structure/function

Fulgent Genetics
Classification: Uncertain significance for Cutis laxa with osteodystrophy; Wrinkly skin syndrome. Last evaluated: 2021-08-09. Review status: criteria provided, single submitter. Criteria: ACMG Guidelines, 2015. Collection method: clinical testing. Allele origin: unknown.

Illumina Laboratory Services, Illumina
Classification: Uncertain significance for Cutis laxa with osteodystrophy. Last evaluated: 2018-01-12. Review status: criteria provided, single submitter. Criteria: ICSL Variant Classification Criteria 13 December 2019. Collection method: clinical testing. Allele origin: germline.

NM_012463.4(ATP6V0A2):c.2072T>C (p.Ile691Thr)

Gene: ATP6V0A2 (ATPase H+ transporting V0 subunit a2; plus strand). Cytogenetic location: 12q24.31.
Variant type: single nucleotide variant.
Coding change: c.2072T>C on transcript NM_012463.4 (MANE Select); coding-DNA position 2072, T replaced by C.
Protein change: p.Ile691Thr; replaces isoleucine 691 with threonine.
Molecular consequence: missense variant.
Genome position (GRCh38, 1-based): chr12:123,752,299, T>C. VCF-style: chr12-123752299-T-C. GRCh37 (hg19) VCF-style: chr12-124236846-T-C.
Other names: short protein forms I691T.
Identifiers: ClinVar variation 307595 (VCV000307595.13), dbSNP rs144946016, ClinGen allele CA6862133.